The following is an entry in ClinVar:

ClinVar aggregate classification (germline): Pathogenic (1 of 4 stars; one submission).

Submission:

Baylor Genetics
Classification: Pathogenic. Last evaluated: 2018-11-01. Review status: criteria provided, single submitter. Criteria: ACMG CNV Guidelines, 2011. Collection method: clinical testing. Allele origin: germline. Affected: yes. Observed: 1 variant allele.
Comment: Deletions involving this region have been previously reported in patients with developmental delay and dysmorphism (PMID: 21255006)

GRCh37/hg19 2q13(chr2:111395351-113102594)

Genes: ACOXL (acyl-CoA oxidase like; plus strand), ANAPC1 (anaphase promoting complex subunit 1; minus strand), BCL2L11 (BCL2 like 11; plus strand), BUB1 (BUB1 mitotic checkpoint serine/threonine kinase; minus strand), FBLN7 (fibulin 7; plus strand) and 4 more. Cytogenetic location: 2q13.
Variant type: copy number loss.
Identifiers: ClinVar variation 625548 (VCV000625548.1).